The following is an entry in ClinVar:

ClinVar aggregate classification (germline): Likely pathogenic. Review status: criteria provided, multiple submitters, no conflicts (2 of 4 stars). 4 submissions from 4 submitters: Likely pathogenic (4). Last evaluated 2024-08-05.

Conditions:
Glycogen storage disease, type IV (GSD4). Also called: AMYLOPECTINOSIS; ANDERSEN DISEASE; BRANCHER DEFICIENCY; CIRRHOSIS, FAMILIAL, WITH DEPOSITION OF ABNORMAL GLYCOGEN; GBE1 DEFICIENCY; GLYCOGEN BRANCHING ENZYME DEFICIENCY. Identifiers: Orphanet 367, MedGen C0017923, MONDO:0009292, OMIM 232500.
Adult polyglucosan body disease (APBN). Also called: GBE1-Adult Polyglucosan Body Disease; POLYGLUCOSAN BODY DISEASE, ADULT FORM. Identifiers: Orphanet 206583, MedGen C1849722, MONDO:0009897, OMIM 263570.
Glycogen storage disease IV, classic hepatic. Also called: GSD IV, CLASSIC HEPATIC. Identifiers: MedGen C1856301.
GBE1-related disorder. Also called: GBE1-related condition; GBE1-related disorders. Identifiers: MedGen CN239402.

Allele frequency attached by ClinVar (database versions not stated): gnomAD exomes below 0.00001.
gnomAD v4.1: 3 of 1,372,926 alleles (0.00022%); highest among the groups gnomAD compares: Non-Finnish European, 0.00031%; no homozygotes.

Submissions (4):

Labcorp Genetics (formerly Invitae), Labcorp
Classification: Likely pathogenic for Glycogen storage disease, type IV; Glycogen storage disease IV, classic hepatic. Last evaluated: 2024-08-05. Review status: criteria provided, single submitter. Criteria: Invitae Variant Classification Sherloc (09022015). Collection method: clinical testing. Allele origin: germline.
Comment: This sequence change affects an acceptor splice site in intron 7 of the GBE1 gene. It is expected to disrupt RNA splicing. Variants that disrupt the donor or acceptor splice site typically lead to a loss of protein function (PMID: 16199547), and loss-of-function variants in GBE1 are known to be pathogenic (PMID: 15452297, 20058079). The frequency data for this variant in the population databases is considered unreliable, as metrics indicate poor data quality at this position in the gnomAD database. This variant has not been reported in the literature in individuals affected with GBE1-related conditions. ClinVar contains an entry for this variant (Variation ID: 1952687). Algorithms developed to predict the effect of sequence changes on RNA splicing suggest that this variant may disrupt the consensus splice site. In summary, the currently available evidence indicates that the variant is pathogenic, but additional data are needed to prove that conclusively. Therefore, this variant has been classified as Likely Pathogenic.

Fulgent Genetics
Classification: Likely pathogenic for Glycogen storage disease, type IV; Adult polyglucosan body disease. Last evaluated: 2024-04-04. Review status: criteria provided, single submitter. Criteria: ACMG Guidelines, 2015. Collection method: clinical testing. Allele origin: germline.

Baylor Genetics
Classification: Likely pathogenic for Glycogen storage disease, type IV. Last evaluated: 2024-03-16. Review status: criteria provided, single submitter. Criteria: ACMG Guidelines, 2015. Collection method: clinical testing. Allele origin: unknown.

Blueprint Genetics
Classification: Likely pathogenic for GBE1-related disorders. Last evaluated: 2022-10-28. Review status: criteria provided, single submitter. Criteria: ACMG Guidelines, 2015. Collection method: clinical testing. Allele origin: germline. Affected: yes. Observed: 1 variant allele.

Literature cited by the submitters: PubMed 16199547 (cited by Labcorp Genetics (formerly Invitae), Labcorp); PubMed 15452297 (cited by Labcorp Genetics (formerly Invitae), Labcorp); PubMed 20058079 (cited by Labcorp Genetics (formerly Invitae), Labcorp).

NM_000158.4(GBE1):c.993-2A>G

Gene: GBE1 (1,4-alpha-glucan branching enzyme 1; minus strand). Cytogenetic location: 3p12.2.
Variant type: single nucleotide variant.
Coding change: c.993-2A>G on transcript NM_000158.4 (MANE Select); the canonical splice acceptor site of the intron before coding-DNA position 993, A replaced by G.
Molecular consequence: splice acceptor variant.
Genome position (GRCh38, 1-based): chr3:81,594,025, T>C on the plus strand (A>G on the coding strand, the complement: GBE1 is on the minus strand). VCF-style: chr3-81594025-T-C. GRCh37 (hg19) VCF-style: chr3-81643176-T-C.
Identifiers: ClinVar variation 1952687 (VCV001952687.9), dbSNP rs1269375163, ClinGen allele CA353685978.